The following is an entry in ClinVar:

NM_001429.4(EP300):c.6526C>T (p.Pro2176Ser)

Gene: EP300 (EP300 lysine acetyltransferase; plus strand). Cytogenetic location: 22q13.2.
Variant type: single nucleotide variant.
Coding change: c.6526C>T on transcript NM_001429.4 (MANE Select); coding-DNA position 6526, C replaced by T.
Protein change: p.Pro2176Ser; replaces proline 2176 with serine.
Molecular consequence: missense variant.
Genome position (GRCh38, 1-based): chr22:41,178,237, C>T. VCF-style: chr22-41178237-C-T. GRCh37 (hg19) VCF-style: chr22-41574241-C-T.
Other names: c.6448C>T, p.Pro2150Ser (NM_001362843.2); short protein forms P2176S, P2150S.
Identifiers: ClinVar variation 341825 (VCV000341825.35), dbSNP rs779543207, ClinGen allele CA10253877.

ClinVar aggregate classification (germline): Conflicting classifications of pathogenicity. Review status: criteria provided, conflicting classifications (1 of 4 stars). 4 submissions from 4 submitters: Uncertain significance (3); Likely benign (1). Last evaluated 2026-09-23.

Conditions:
EP300-related disorder. Also called: EP300-related condition; EP300-related disorders.
Rubinstein-Taybi syndrome due to EP300 haploinsufficiency. Also called: RUBINSTEIN-TAYBI SYNDROME 2; EP300-Related Rubinstein-Taybi Syndrome. Identifiers: Orphanet 353284, Orphanet 783, MedGen C3150941, MONDO:0013364, OMIM 613684.

Allele frequency attached by ClinVar (database versions not stated): gnomAD 0.00001; ExAC 0.00002.
gnomAD v4.1: 31 of 1,613,998 alleles (0.0019%); highest among the groups gnomAD compares: Non-Finnish European, 0.0025%; no homozygotes.

Submissions (4):

PreventionGenetics, part of Exact Sciences
Classification: Uncertain significance for EP300-related condition. Last evaluated: 2026-09-23. Review status: criteria provided, single submitter. Criteria: ACMG Guidelines, 2015. Collection method: clinical testing. Allele origin: germline.
Comment: The EP300 c.6526C>T variant is predicted to result in the amino acid substitution p.Pro2176Ser. To our knowledge, this variant has not been reported in the literature. This variant is reported in 0.0035% of alleles in individuals of European (Non-Finnish) descent in gnomAD. At this time, the clinical significance of this variant is uncertain due to the absence of conclusive functional and genetic evidence.

Labcorp Genetics (formerly Invitae), Labcorp
Classification: Uncertain significance for Rubinstein-Taybi syndrome due to EP300 haploinsufficiency. Last evaluated: 2025-01-06. Review status: criteria provided, single submitter. Criteria: Invitae Variant Classification Sherloc (09022015). Collection method: clinical testing. Allele origin: germline.
Comment: This sequence change replaces proline, which is neutral and non-polar, with serine, which is neutral and polar, at codon 2176 of the EP300 protein (p.Pro2176Ser). This variant is present in population databases (rs779543207, gnomAD 0.004%). This variant has not been reported in the literature in individuals affected with EP300-related conditions. ClinVar contains an entry for this variant (Variation ID: 341825). Invitae Evidence Modeling of protein sequence and biophysical properties (such as structural, functional, and spatial information, amino acid conservation, physicochemical variation, residue mobility, and thermodynamic stability) indicates that this missense variant is not expected to disrupt EP300 protein function with a negative predictive value of 80%. In summary, the available evidence is currently insufficient to determine the role of this variant in disease. Therefore, it has been classified as a Variant of Uncertain Significance.

CeGaT Center for Human Genetics Tuebingen
Classification: Likely benign. Last evaluated: 2022-12-01. Review status: criteria provided, single submitter. Criteria: CeGaT Center For Human Genetics Tuebingen Variant Classification Criteria Version 2. Collection method: clinical testing. Allele origin: germline. Affected: yes. Observed: 1 variant allele.
Comment: EP300: BP4, BS2

Genetic Services Laboratory, University of Chicago
Classification: Uncertain significance. Last evaluated: 2017-05-24. Review status: criteria provided, single submitter. Criteria: ACMG Guidelines, 2015. Collection method: clinical testing. Allele origin: germline. Affected: no.